The following is an entry in ClinVar:

NM_000528.4(MAN2B1):c.1026+1G>T

Gene: MAN2B1 (mannosidase alpha class 2B member 1; minus strand). Cytogenetic location: 19p13.13.
Variant type: single nucleotide variant.
Coding change: c.1026+1G>T on transcript NM_000528.4 (MANE Select); the canonical splice donor site of the intron after coding-DNA position 1026, G replaced by T.
Molecular consequence: splice donor variant.
Genome position (GRCh38, 1-based): chr19:12,661,259, C>A on the plus strand (G>T on the coding strand, the complement: MAN2B1 is on the minus strand). VCF-style: chr19-12661259-C-A. GRCh37 (hg19) VCF-style: chr19-12772073-C-A.
Other names: c.1026+1G>T (NM_001173498.2, NM_001440570.1).
Identifiers: ClinVar variation 4814304 (VCV004814304.1).

ClinVar aggregate classification (germline): Likely pathogenic (1 of 4 stars; one submission).

Conditions:
Deficiency of alpha-mannosidase (MANSA). Also called: Alpha-Mannosidosis; Mannosidosis, alpha-, types I and II; LYSOSOMAL ALPHA-D-MANNOSIDASE DEFICIENCY. Identifiers: Orphanet 61, MedGen C0024748, MONDO:0009561, OMIM 248500.

Submission:

Natera, Inc.
Classification: Likely pathogenic for Alpha-mannosidosis. Last evaluated: 2024-08-13. Review status: criteria provided, single submitter. Criteria: Natera Variant Classification Schema (03/2026). Collection method: clinical testing. Allele origin: germline.
Comment: The c.1026+1G>T variant in MAN2B1 is a canonical splice donor site variant predicted to affect pre-mRNA splicing, which may result in an abnormal transcript and altered protein product. This variant may result in a truncated or dysfunctional protein product. This variant is rare in the general population with a frequency below the threshold expected for the associated phenotype(s). Another variant at this same site results in an alteration predicted to cause a similar molecular effect has been observed in individual(s) with the associated phenotype. Given the available evidence, this variant is classified as Likely Pathogenic.